The following is an entry in ClinVar:

NM_000257.4(MYH7):c.4716C>T (p.Ile1572=)

Genes: MHRT (myosin heavy chain associated RNA transcript; plus strand), MYH7 (myosin heavy chain 7; minus strand), LOC126861897 (BRD4-independent group 4 enhancer GRCh37_chr14:23884455-23885654; plus strand). Cytogenetic location: 14q11.2.
Variant type: single nucleotide variant.
Coding change: c.4716C>T on transcript NM_000257.4 (MANE Select); coding-DNA position 4716, C replaced by T.
Protein change: p.Ile1572=; no amino-acid change (isoleucine 1572 retained).
Molecular consequence: synonymous variant. On other transcripts: non-coding transcript variant (1).
Genome position (GRCh38, 1-based): chr14:23,416,241, G>A on the plus strand (C>T on the coding strand, the complement: MYH7 is on the minus strand). VCF-style: chr14-23416241-G-A. GRCh37 (hg19) VCF-style: chr14-23885450-G-A.
Other names: NM_000257.3(MYH7):c.4716C>T.
Identifiers: ClinVar variation 43032 (VCV000043032.53), dbSNP rs7140196, ClinGen allele CA015251.

ClinVar aggregate classification (germline): Benign. Review status: reviewed by expert panel (3 of 4 stars). 21 submissions from 19 submitters: Benign (1). 20 of the submissions do not count toward it. Last evaluated 2025-11-11.

Conditions:
Myosin storage myopathy (CMYO7A). Also called: MYOPATHY, HYALINE BODY, AUTOSOMAL DOMINANT; MYOPATHY WITH LYSIS OF TYPE I MYOFIBRILS; MYH7-related late-onset scapuloperoneal muscular dystrophy; Congenital myopathy 7A, myosin storage, autosomal dominant; Scapuloperoneal myopathy, MYH7-related; SCAPULOPERONEAL MUSCULAR DYSTROPHY. Identifiers: Orphanet 437572, Orphanet 636965, MedGen C1842160, MONDO:0008409, OMIM 608358.
Cardiomyopathy (CMYO). Also called: Cardiomyopathies. Identifiers: Orphanet 167848, MedGen C0878544, MONDO:0004994, HP:0001638. Inheritance: Various modes of inheritance.
Hypertrophic cardiomyopathy 1 (CMH1). Also called: Familial hypertrophic cardiomyopathy 1; MYH7-Related Familial Hypertrophic Cardiomyopathy. Identifiers: MedGen C3495498, MONDO:0008647, OMIM 192600.
MYH7-related skeletal myopathy. Also called: Laing early-onset distal myopathy; Myopathy, distal, 1; MYOPATHY, DISTAL, EARLY-ONSET, AUTOSOMAL DOMINANT; MYOPATHY, LATE DISTAL HEREDITARY; Laing distal myopathy. Identifiers: Orphanet 59135, MedGen C4552004, MONDO:0008050, OMIM 160500.
Cardiovascular phenotype. Identifiers: MedGen CN230736.
Hypertrophic cardiomyopathy. Also called: HYPERTROPHIC MYOCARDIOPATHY. Identifiers: Orphanet 217569, MedGen C0007194, MeSH D002312, MONDO:0005045, HP:0001639.

Allele frequency attached by ClinVar (database versions not stated): gnomAD exomes 0.00357; ExAC 0.00459; gnomAD 0.01334 and 0.01445; ESP Exome Variant Server 0.01738; TOPMed 0.01482; 1000 Genomes Project 0.01817; 1000 Genomes Project 30x 0.02030.
gnomAD v4.1: 4,207 of 1,613,848 alleles (0.26%); highest among the groups gnomAD compares: African/African-American, 4.9%; 122 homozygotes.

Submissions (21):

ClinGen Cardiomyopathy Variant Curation Expert Panel
Classification: Benign for Hypertrophic cardiomyopathy. Last evaluated: 2025-11-11. Review status: reviewed by expert panel. Criteria: ClinGen CMP ACMG Specifications MYH7 V2.0.0. Collection method: curation. Allele origin: germline. Inheritance: Autosomal dominant inheritance.
Comment: The filtering allele frequency of the c.4716C>T (p.Ile1572=) variant in the MYH7 gene is 4.59% (514/10406) of African chromosomes by the Exome Aggregation Consortium, which is a high enough frequency to be classified as benign based on thresholds defined by the ClinGen Inherited Cardiomyopathy Expert Panel (BA1; PMID:29300372).

Labcorp Genetics (formerly Invitae), Labcorp
Classification: Benign for Hypertrophic cardiomyopathy. Last evaluated: 2026-02-03. Review status: criteria provided, single submitter. Criteria: Invitae Variant Classification Sherloc (09022015). Collection method: clinical testing. Allele origin: germline. Not counted in ClinVar's aggregate classification.

Molecular Diagnostic Laboratory for Inherited Cardiovascular Disease, Montreal Heart Institute
Classification: Benign. Last evaluated: 2025-04-09. Review status: criteria provided, single submitter. Criteria: ACMG Guidelines, 2015. Collection method: clinical testing. Allele origin: germline. Affected: no. Not counted in ClinVar's aggregate classification.

ARUP Laboratories, Molecular Genetics and Genomics, ARUP Laboratories
Classification: Benign. Last evaluated: 2025-04-02. Review status: criteria provided, single submitter. Criteria: ARUP Molecular Germline Variant Investigation Process 2024. Collection method: clinical testing. Allele origin: germline. Not counted in ClinVar's aggregate classification.

All of Us Research Program, National Institutes of Health
Classification: Benign for Cardiomyopathy. Last evaluated: 2024-02-05. Review status: criteria provided, single submitter. Criteria: ACMG Guidelines, 2015. Collection method: clinical testing. Allele origin: germline. Inheritance: Autosomal dominant inheritance. Observed: 806 variant alleles, 787 heterozygotes, 19 homozygotes. Not counted in ClinVar's aggregate classification.
Comment: This study involves interpretation of variants in research participants for the purpose of population health screening. Participant phenotype was not available at the time of variant classification. Additional details can be found in publication PMID: 35346344, PMCID: PMC8962531

Cohesion Phenomics
Classification: Benign for Hypertrophic Cardiomyopathy. Last evaluated: 2022-10-10. Review status: criteria provided, single submitter. Criteria: ACMG Guidelines, 2015. Collection method: clinical testing. Allele origin: germline. Affected: yes. Not counted in ClinVar's aggregate classification.

Mayo Clinic Laboratories, Mayo Clinic
Classification: Benign. Last evaluated: 2018-04-04. Review status: criteria provided, single submitter. Criteria: ACMG Guidelines, 2015. Collection method: clinical testing. Allele origin: germline. Observed: 33 variant alleles. Not counted in ClinVar's aggregate classification.

Color Diagnostics, LLC DBA Color Health
Classification: Benign for Cardiomyopathy. Last evaluated: 2018-03-15. Review status: criteria provided, single submitter. Criteria: ACMG Guidelines, 2015. Collection method: clinical testing. Allele origin: germline. Not counted in ClinVar's aggregate classification.

Illumina Laboratory Services, Illumina
Classification: Benign for Myosin storage myopathy. Last evaluated: 2018-01-13. Review status: criteria provided, single submitter. Criteria: ICSL Variant Classification Criteria 13 December 2019. Collection method: clinical testing. Allele origin: germline. Not counted in ClinVar's aggregate classification.
Comment: This variant was observed in the ICSL laboratory as part of a predisposition screen in an ostensibly healthy population. It had not been previously curated by ICSL or reported in the Human Gene Mutation Database (HGMD: prior to June 1st, 2018), and was therefore a candidate for classification through an automated scoring system. Utilizing variant allele frequency, disease prevalence and penetrance estimates, and inheritance mode, an automated score was calculated to assess if this variant is too frequent to cause the disease. Based on the score and internal cut-off values, a variant classified as benign is not then subjected to further curation. The score for this variant resulted in a classification of benign for this disease.

Illumina Laboratory Services, Illumina
Classification: Likely benign for Hypertrophic cardiomyopathy 1. Last evaluated: 2018-01-13. Review status: criteria provided, single submitter. Criteria: ICSL Variant Classification Criteria 13 December 2019. Collection method: clinical testing. Allele origin: germline. Not counted in ClinVar's aggregate classification.
Comment: This variant was observed in the ICSL laboratory as part of a predisposition screen in an ostensibly healthy population. It had not been previously curated by ICSL or reported in the Human Gene Mutation Database (HGMD: prior to June 1st, 2018), and was therefore a candidate for classification through an automated scoring system. Utilizing variant allele frequency, disease prevalence and penetrance estimates, and inheritance mode, an automated score was calculated to assess if this variant is too frequent to cause the disease. Based on the score and internal cut-off values, a variant classified as likely benign is not then subjected to further curation. The score for this variant resulted in a classification of likely benign for this disease.

Illumina Laboratory Services, Illumina
Classification: Benign for MYH7-related skeletal myopathy. Last evaluated: 2018-01-13. Review status: criteria provided, single submitter. Criteria: ICSL Variant Classification Criteria 13 December 2019. Collection method: clinical testing. Allele origin: germline. Not counted in ClinVar's aggregate classification.
Comment: the same text as in the submission from Illumina Laboratory Services, Illumina above.

Ambry Genetics
Classification: Benign for Cardiovascular phenotype. Last evaluated: 2015-06-25. Review status: criteria provided, single submitter. Criteria: Ambry Variant Classification Scheme 2023. Collection method: clinical testing. Allele origin: germline. Not counted in ClinVar's aggregate classification.

GeneDx
Classification: Benign. Last evaluated: 2015-03-03. Review status: criteria provided, single submitter. Criteria: GeneDx Variant Classification Process June 2021. Collection method: clinical testing. Allele origin: germline. Affected: yes. Not counted in ClinVar's aggregate classification.

Laboratory for Molecular Medicine, Mass General Brigham Personalized Medicine
Classification: Benign. Last evaluated: 2011-06-09. Review status: criteria provided, single submitter. Criteria: LMM Criteria. Collection method: clinical testing. Allele origin: germline. Observed: 75 variant alleles. Not counted in ClinVar's aggregate classification.
Comment: This variant is considered to be benign because it does not change an amino acid and is frequent in the general population (rs7140196; MAF>1%)

Breakthrough Genomics
Classification: Benign. Review status: criteria provided, single submitter. Criteria: ACMG Guidelines, 2015. Collection method: not provided. Allele origin: germline. Inheritance: Autosomal recessive inheritance. Affected: yes. Not counted in ClinVar's aggregate classification.

PreventionGenetics, part of Exact Sciences
Classification: Benign. Review status: criteria provided, single submitter. Criteria: ACMG Guidelines, 2015. Collection method: clinical testing. Allele origin: germline. Not counted in ClinVar's aggregate classification.

Clinical Genetics DNA and cytogenetics Diagnostics Lab, Erasmus MC, Erasmus Medical Center
Classification: Benign. Review status: no assertion criteria provided. Collection method: clinical testing. Allele origin: germline. Affected: yes. Study: VKGL Data-share Consensus. Not counted in ClinVar's aggregate classification.

Clinical Genetics, Academic Medical Center
Classification: Benign. Review status: no assertion criteria provided. Collection method: clinical testing. Allele origin: germline. Affected: yes. Study: VKGL Data-share Consensus. Not counted in ClinVar's aggregate classification.

Diagnostic Laboratory, Department of Genetics, University Medical Center Groningen
Classification: Benign. Review status: no assertion criteria provided. Collection method: clinical testing. Allele origin: germline. Affected: yes. Study: VKGL Data-share Consensus. Not counted in ClinVar's aggregate classification.

Genetic Services Laboratory, University of Chicago
Classification: Likely benign for AllHighlyPenetrant. Review status: no assertion criteria provided. Collection method: clinical testing. Allele origin: germline. Inheritance: Autosomal dominant inheritance. Not counted in ClinVar's aggregate classification.
Comment: Likely benign based on allele frequency in 1000 Genomes Project or ESP global frequency and its presence in a patient with a rare or unrelated disease phenotype. NOT Sanger confirmed.

Joint Genome Diagnostic Labs from Nijmegen and Maastricht, Radboudumc and MUMC+
Classification: Benign. Review status: no assertion criteria provided. Collection method: clinical testing. Allele origin: germline. Affected: yes. Study: VKGL Data-share Consensus. Not counted in ClinVar's aggregate classification.

Literature cited by the submitters: PubMed 29300372 (cited by ClinGen Cardiomyopathy Variant Curation Expert Panel).